The following is an entry in ClinVar:

ClinVar aggregate classification (germline): Uncertain significance (1 of 4 stars; one submission).

Submission:

CeGaT Center for Human Genetics Tuebingen
Classification: Uncertain significance. Last evaluated: 2024-05-01. Review status: criteria provided, single submitter. Criteria: CeGaT Center For Human Genetics Tuebingen Variant Classification Criteria Version 2. Collection method: clinical testing. Allele origin: germline. Affected: yes. Observed: 1 variant allele.
Comment: AKT2: PM2, BP4

NM_001626.6(AKT2):c.368A>C (p.Lys123Thr)

Gene: AKT2 (AKT serine/threonine kinase 2; minus strand). Cytogenetic location: 19q13.2.
Variant type: single nucleotide variant.
Coding change: c.368A>C on transcript NM_001626.6 (MANE Select); coding-DNA position 368, A replaced by C.
Protein change: p.Lys123Thr; replaces lysine 123 with threonine.
Molecular consequence: missense variant.
Genome position (GRCh38, 1-based): chr19:40,242,607, T>G on the plus strand (A>C on the coding strand, the complement: AKT2 is on the minus strand). VCF-style: chr19-40242607-T-G. GRCh37 (hg19) VCF-style: chr19-40748514-T-G.
Other names: c.182A>C, p.Lys61Thr (NM_001243027.3, NM_001243028.3); c.368A>C, p.Lys123Thr (NM_001330511.1); short protein forms K123T, K61T.
Identifiers: ClinVar variation 3239525 (VCV003239525.19), dbSNP rs2514295922.